The following is an entry in ClinVar:

ClinVar aggregate classification (germline): Pathogenic (1 of 4 stars; one submission).

Submission:

GeneDx
Classification: Pathogenic. Last evaluated: 2023-11-28. Review status: criteria provided, single submitter. Criteria: GeneDx Variant Classification Process June 2021. Collection method: clinical testing. Allele origin: germline. Affected: yes.
Comment: Nonsense variant predicted to result in nonsense mediated decay in a gene for which loss-of-function is a known mechanism of disease; Not observed in large population cohorts (gnomAD); Has not been previously published as pathogenic or benign to our knowledge

NM_001374828.1(ARID1B):c.3082C>T (p.Gln1028Ter)

Gene: ARID1B (AT-rich interaction domain 1B; plus strand). Cytogenetic location: 6q25.3.
Variant type: single nucleotide variant.
Coding change: c.3082C>T on transcript NM_001374828.1 (MANE Select); coding-DNA position 3082, C replaced by T.
Protein change: p.Gln1028Ter; replaces glutamine 1028 with a stop codon.
Molecular consequence: nonsense.
Genome position (GRCh38, 1-based): chr6:157,148,944, C>T. VCF-style: chr6-157148944-C-T. GRCh37 (hg19) VCF-style: chr6-157470078-C-T.
Other names: c.583C>T, p.Gln195Ter (NM_001363725.2); c.3121C>T, p.Gln1041Ter (NM_001371656.1, NM_001374820.1); c.3082C>T, p.Gln1028Ter (NM_017519.3); c.2872C>T (NM_020732.3); short protein forms Q1028*, Q1041*, Q195*.
Identifiers: ClinVar variation 3340628 (VCV003340628.1).